The following is an entry in ClinVar:

ClinVar aggregate classification (germline): Uncertain significance (1 of 4 stars; one submission).

Conditions:
Congenital disorder of glycosylation type 1E (CDG1E). Also called: CONGENITAL DISORDER OF GLYCOSYLATION, TYPE Ie; CDG Ie. Identifiers: Orphanet 79322, MedGen C1837396, MONDO:0012123, OMIM 608799.

Allele frequency attached by ClinVar (database versions not stated): gnomAD 0.00001; TOPMed 0.00002; gnomAD exomes 0.00003.
gnomAD v4.1: 44 of 1,602,864 alleles (0.0027%); highest among the groups gnomAD compares: Non-Finnish European, 0.0037%; no homozygotes.

Submission:

Labcorp Genetics (formerly Invitae), Labcorp
Classification: Uncertain significance for Congenital disorder of glycosylation type 1E. Last evaluated: 2022-07-05. Review status: criteria provided, single submitter. Criteria: Invitae Variant Classification Sherloc (09022015). Collection method: clinical testing. Allele origin: germline.
Comment: In summary, the available evidence is currently insufficient to determine the role of this variant in disease. Therefore, it has been classified as a Variant of Uncertain Significance. Algorithms developed to predict the effect of sequence changes on RNA splicing suggest that this variant may create or strengthen a splice site. Algorithms developed to predict the effect of missense changes on protein structure and function are either unavailable or do not agree on the potential impact of this missense change (SIFT: "Tolerated"; PolyPhen-2: "Possibly Damaging"; Align-GVGD: "Class C0"). ClinVar contains an entry for this variant (Variation ID: 850062). This variant has not been reported in the literature in individuals affected with DPM1-related conditions. This variant is present in population databases (no rsID available, gnomAD 0.007%). This sequence change replaces glycine, which is neutral and non-polar, with arginine, which is basic and polar, at codon 252 of the DPM1 protein (p.Gly252Arg).

NM_003859.3(DPM1):c.754G>A (p.Gly252Arg)

Genes: ADNP-AS1 (ADNP antisense RNA 1; plus strand), DPM1 (dolichyl-phosphate mannosyltransferase subunit 1, catalytic; minus strand). Cytogenetic location: 20q13.13.
Variant type: single nucleotide variant.
Coding change: c.754G>A on transcript NM_003859.3 (MANE Select); coding-DNA position 754, G replaced by A.
Protein change: p.Gly252Arg; replaces glycine 252 with arginine.
Molecular consequence: missense variant. On other transcripts: non-coding transcript variant (1).
Genome position (GRCh38, 1-based): chr20:50,935,161, C>T on the plus strand (G>A on the coding strand, the complement: DPM1 is on the minus strand). VCF-style: chr20-50935161-C-T. GRCh37 (hg19) VCF-style: chr20-49551698-C-T.
Other names: c.859G>A, p.Gly287Arg (NM_001317034.1); c.835G>A, p.Gly279Arg (NM_001317035.1); c.685G>A, p.Gly229Arg (NM_001317036.1); short protein forms G229R, G252R, G279R, G287R.
Identifiers: ClinVar variation 850062 (VCV000850062.7), dbSNP rs1205339617, ClinGen allele CA408987063.
Genomic context (GRCh38, chr20:50,935,161, plus strand): 5'-ATGAACGTAACTATAAATGAGTATCTTTCTTTTATGTAGTAGCAAAAAGAGTCAATAATC[C>T]TTTCAAGAAAGATACTATTTCATTTCCTCCCAACTTGGATTCACCATAAACACGATCCAC-3'
Protein context (NP_003850.1, residues 242-260): GGNEIVSFLK[Gly252Arg]LLTLFATT